The following is an entry in ClinVar:

ClinVar aggregate classification (germline): Uncertain significance. Review status: criteria provided, multiple submitters, no conflicts (2 of 4 stars). 3 submissions from 3 submitters: Uncertain significance (3). Last evaluated 2025-02-13.

Conditions:
Short stature, rhizomelic, with microcephaly, micrognathia, and developmental delay (SSMG). Also called: SHORT STATURE-MICROGNATHIA SYNDROME. Identifiers: Orphanet 659702, MedGen C4310686, MONDO:0014948, OMIM 617164.
Inborn genetic diseases. Identifiers: MedGen C0950123, MeSH D030342.

Allele frequency attached by ClinVar (database versions not stated): gnomAD 0.00001; TOPMed 0.00002; ExAC 0.00004; gnomAD exomes 0.00006.
gnomAD v4.1: 83 of 1,614,068 alleles (0.0051%); highest among the groups gnomAD compares: Middle Eastern, 0.016%; no homozygotes.

Submissions (3):

Ambry Genetics
Classification: Uncertain significance for Inborn genetic diseases. Last evaluated: 2025-02-13. Review status: criteria provided, single submitter. Criteria: Ambry Variant Classification Scheme 2023. Collection method: clinical testing. Allele origin: germline.

Labcorp Genetics (formerly Invitae), Labcorp
Classification: Uncertain significance. Last evaluated: 2023-08-04. Review status: criteria provided, single submitter. Criteria: Invitae Variant Classification Sherloc (09022015). Collection method: clinical testing. Allele origin: germline.
Comment: In summary, the available evidence is currently insufficient to determine the role of this variant in disease. Therefore, it has been classified as a Variant of Uncertain Significance. An algorithm developed to predict the effect of missense changes on protein structure and function (PolyPhen-2) suggests that this variant is likely to be tolerated. ClinVar contains an entry for this variant (Variation ID: 1962346). This variant has not been reported in the literature in individuals affected with ARCN1-related conditions. This variant is present in population databases (rs782487231, gnomAD 0.006%). This sequence change replaces arginine, which is basic and polar, with histidine, which is basic and polar, at codon 314 of the ARCN1 protein (p.Arg314His).

Revvity Omics, Revvity
Classification: Uncertain significance for Short stature, rhizomelic, with microcephaly, micrognathia, and developmental delay. Last evaluated: 2022-05-11. Review status: criteria provided, single submitter. Criteria: ACMG Guidelines, 2015. Collection method: clinical testing. Allele origin: germline.

NM_001655.5(ARCN1):c.941G>A (p.Arg314His)

Gene: ARCN1 (archain 1 coat protein complex I subunit delta; plus strand). Cytogenetic location: 11q23.3.
Variant type: single nucleotide variant.
Coding change: c.941G>A on transcript NM_001655.5 (MANE Select); coding-DNA position 941, G replaced by A.
Protein change: p.Arg314His; replaces arginine 314 with histidine.
Molecular consequence: missense variant.
Genome position (GRCh38, 1-based): chr11:118,590,463, G>A. VCF-style: chr11-118590463-G-A. GRCh37 (hg19) VCF-style: chr11-118461178-G-A.
Other names: c.677G>A, p.Arg226His (NM_001142281.2); c.941G>A (NM_001655.4); short protein forms R226H, R314H.
Identifiers: ClinVar variation 1962346 (VCV001962346.9), dbSNP rs782487231, ClinGen allele CA6306175.